The following is an entry in ClinVar:

NM_002878.4(RAD51D):c.526T>C (p.Phe176Leu)

Genes: RAD51L3-RFFL (RAD51L3-RFFL readthrough; minus strand), RAD51D (RAD51 paralog D; minus strand). Cytogenetic location: 17q12.
Variant type: single nucleotide variant.
Coding change: c.526T>C on transcript NM_002878.4 (MANE Select); coding-DNA position 526, T replaced by C.
Protein change: p.Phe176Leu; replaces phenylalanine 176 with leucine.
Molecular consequence: missense variant. On other transcripts: non-coding transcript variant (3).
Genome position (GRCh38, 1-based): chr17:35,106,436, A>G on the plus strand (T>C on the coding strand, the complement: RAD51D is on the minus strand). VCF-style: chr17-35106436-A-G. GRCh37 (hg19) VCF-style: chr17-33433455-A-G.
Other names: c.586T>C, p.Phe196Leu (NM_001142571.2); c.190T>C, p.Phe64Leu (NM_133629.3); short protein forms F196L, F176L, F64L.
Identifiers: ClinVar variation 2758434 (VCV002758434.3), dbSNP rs2142429290, ClinGen allele CA399088801.

ClinVar aggregate classification (germline): Uncertain significance (1 of 4 stars; one submission).

Conditions:
Breast-ovarian cancer, familial, susceptibility to, 4. Identifiers: Orphanet 145, MedGen C3280345, MONDO:0013669, OMIM 614291.

Submission:

Labcorp Genetics (formerly Invitae), Labcorp
Classification: Uncertain significance for Breast-ovarian cancer, familial, susceptibility to, 4. Last evaluated: 2023-09-06. Review status: criteria provided, single submitter. Criteria: Invitae Variant Classification Sherloc (09022015). Collection method: clinical testing. Allele origin: germline.
Comment: This variant has not been reported in the literature in individuals affected with RAD51D-related conditions. Advanced modeling of protein sequence and biophysical properties (such as structural, functional, and spatial information, amino acid conservation, physicochemical variation, residue mobility, and thermodynamic stability) performed at Invitae indicates that this missense variant is not expected to disrupt RAD51D protein function. In summary, the available evidence is currently insufficient to determine the role of this variant in disease. Therefore, it has been classified as a Variant of Uncertain Significance. This variant is not present in population databases (gnomAD no frequency). This sequence change replaces phenylalanine, which is neutral and non-polar, with leucine, which is neutral and non-polar, at codon 176 of the RAD51D protein (p.Phe176Leu).